The following is an entry in ClinVar:

NM_000388.4(CASR):c.3169T>C (p.Ser1057Pro)

Gene: CASR (calcium sensing receptor; plus strand). Cytogenetic location: 3q21.1.
Variant type: single nucleotide variant.
Coding change: c.3169T>C on transcript NM_000388.4 (MANE Select); coding-DNA position 3169, T replaced by C.
Protein change: p.Ser1057Pro; replaces serine 1057 with proline.
Molecular consequence: missense variant.
Genome position (GRCh38, 1-based): chr3:122,285,123, T>C. VCF-style: chr3-122285123-T-C. GRCh37 (hg19) VCF-style: chr3-122003970-T-C.
Other names: c.3199T>C, p.Ser1067Pro (NM_001178065.2); short protein forms S1057P, S1067P.
Identifiers: ClinVar variation 1722145 (VCV001722145.6), dbSNP rs1553769334, ClinGen allele CA354161674.
Genomic context (GRCh38, chr3:122,285,123, plus strand): 5'-GGTGGAGACCAGCGGCCAGAGGTGGAGGACCCTGAAGAGTTGTCCCCAGCACTTGTAGTG[T>C]CCAGTTCACAGAGCTTTGTCATCAGTGGTGGAGGCAGCACTGTTACAGAAAACGTAGTGA-3'
Protein context (NP_000379.3, residues 1047-1067): PEELSPALVV[Ser1057Pro]SSQSFVISGG

ClinVar aggregate classification (germline): Uncertain significance (1 of 4 stars; one submission).

Conditions:
Familial hypocalciuric hypercalcemia (FHH). Also called: Familial benign hypercalcemia. Identifiers: Orphanet 405, MedGen C1809471, MONDO:0018458.
Autosomal dominant hypocalcemia 1 (HYPOC1). Also called: HYPOCALCEMIA, FAMILIAL. Identifiers: MedGen C3715128, MONDO:0011013, OMIM 601198.

Submission:

Labcorp Genetics (formerly Invitae), Labcorp
Classification: Uncertain significance for Familial hypocalciuric hypercalcemia; Autosomal dominant hypocalcemia 1. Last evaluated: 2022-10-25. Review status: criteria provided, single submitter. Criteria: Invitae Variant Classification Sherloc (09022015). Collection method: clinical testing. Allele origin: germline.
Comment: Algorithms developed to predict the effect of missense changes on protein structure and function are either unavailable or do not agree on the potential impact of this missense change (SIFT: "Deleterious"; PolyPhen-2: "Benign"; Align-GVGD: "Class C0"). In summary, the available evidence is currently insufficient to determine the role of this variant in disease. Therefore, it has been classified as a Variant of Uncertain Significance. This variant has not been reported in the literature in individuals affected with CASR-related conditions. This variant is not present in population databases (gnomAD no frequency). This sequence change replaces serine, which is neutral and polar, with proline, which is neutral and non-polar, at codon 1057 of the CASR protein (p.Ser1057Pro).